The following is an entry in ClinVar:

NM_003322.6(TULP1):c.220C>G (p.Pro74Ala)

Gene: TULP1 (TUB like protein 1; minus strand). Cytogenetic location: 6p21.31.
Variant type: single nucleotide variant.
Coding change: c.220C>G on transcript NM_003322.6 (MANE Select); coding-DNA position 220, C replaced by G.
Protein change: p.Pro74Ala; replaces proline 74 with alanine.
Molecular consequence: missense variant. On other transcripts: intron variant (1).
Genome position (GRCh38, 1-based): chr6:35,511,777, G>C on the plus strand (C>G on the coding strand, the complement: TULP1 is on the minus strand). VCF-style: chr6-35511777-G-C. GRCh37 (hg19) VCF-style: chr6-35479554-G-C.
Other names: c.190+403C>G (NM_001289395.2); short protein forms P74A.
Identifiers: ClinVar variation 1409217 (VCV001409217.6), dbSNP rs200713417, ClinGen allele CA137292784.

ClinVar aggregate classification (germline): Uncertain significance. Review status: criteria provided, multiple submitters, no conflicts (2 of 4 stars). 2 submissions from 2 submitters: Uncertain significance (2). Last evaluated 2022-05-08.

Allele frequency attached by ClinVar (database versions not stated): 1000 Genomes Project 30x 0.00016; 1000 Genomes Project 0.00020.
gnomAD v4.1: 4 of 1,572,666 alleles (0.00025%); highest among the groups gnomAD compares: Admixed American, 0.0055%; no homozygotes.

Submissions (2):

Labcorp Genetics (formerly Invitae), Labcorp
Classification: Uncertain significance. Last evaluated: 2022-05-08. Review status: criteria provided, single submitter. Criteria: Invitae Variant Classification Sherloc (09022015). Collection method: clinical testing. Allele origin: germline.
Comment: This sequence change replaces proline, which is neutral and non-polar, with alanine, which is neutral and non-polar, at codon 74 of the TULP1 protein (p.Pro74Ala). This variant is not present in population databases (gnomAD no frequency). This variant has not been reported in the literature in individuals affected with TULP1-related conditions. Algorithms developed to predict the effect of missense changes on protein structure and function are either unavailable or do not agree on the potential impact of this missense change (SIFT: "Not Available"; PolyPhen-2: "Benign"; Align-GVGD: "Not Available"). In summary, the available evidence is currently insufficient to determine the role of this variant in disease. Therefore, it has been classified as a Variant of Uncertain Significance.

Blueprint Genetics
Classification: Uncertain significance. Last evaluated: 2019-09-23. Review status: criteria provided, single submitter. Criteria: ACMG Guidelines, 2015. Collection method: clinical testing. Allele origin: germline.